The following is an entry in ClinVar:

NM_017672.6(TRPM7):c.1884G>C (p.Trp628Cys)

Gene: TRPM7 (transient receptor potential cation channel subfamily M member 7; minus strand). Cytogenetic location: 15q21.2.
Variant type: single nucleotide variant.
Coding change: c.1884G>C on transcript NM_017672.6 (MANE Select); coding-DNA position 1884, G replaced by C.
Protein change: p.Trp628Cys; replaces tryptophan 628 with cysteine.
Molecular consequence: missense variant. On other transcripts: non-coding transcript variant (3).
Genome position (GRCh38, 1-based): chr15:50,612,716, C>G on the plus strand (G>C on the coding strand, the complement: TRPM7 is on the minus strand). VCF-style: chr15-50612716-C-G. GRCh37 (hg19) VCF-style: chr15-50904913-C-G.
Other names: c.1884G>C, p.Trp628Cys (NM_001301212.2); short protein forms W628C.
Identifiers: ClinVar variation 5009349 (VCV005009349.1).

ClinVar aggregate classification (germline): Uncertain significance (1 of 4 stars; one submission).

Submission:

GeneDx
Classification: Uncertain significance. Last evaluated: 2026-03-19. Review status: criteria provided, single submitter. Criteria: GeneDx Variant Classification Process June 2021. Collection method: clinical testing. Allele origin: germline.
Comment: Not observed at significant frequency in large population cohorts (gnomAD); In silico analysis supports that this missense variant has a deleterious effect on protein structure/function; Has not been previously published as pathogenic or benign to our knowledge.